The following is an entry in ClinVar:

NM_002180.3(IGHMBP2):c.450-24_450-22del

Gene: IGHMBP2 (immunoglobulin mu DNA binding protein 2; plus strand). Cytogenetic location: 11q13.3.
Variant type: Deletion.
Coding change: c.450-24_450-22del on transcript NM_002180.3 (MANE Select); 24 bases into the intron before coding-DNA position 450 through 22 bases into the intron before coding-DNA position 450, 3 bases deleted (AAT; older notation c.450-24_450-22delAAT).
Molecular consequence: intron variant.
Genome position (GRCh38, 1-based): chr11:68,908,510-68,908,512, AAT deleted; deleting any 3 consecutive bases within chr11:68,908,509-68,908,512 gives the same sequence; the c. name uses the placement nearest the transcript's 3' end. VCF-style (leftmost placement, unchanged base first): chr11-68908508-CTAA-C. GRCh37 (hg19) VCF-style: chr11-68675976-CTAA-C.
Identifiers: ClinVar variation 4854847 (VCV004854847.1).

ClinVar aggregate classification (germline): Uncertain significance (1 of 4 stars; one submission).

Conditions:
Autosomal recessive distal spinal muscular atrophy 1. Also called: HMN VI; NEURONOPATHY, SEVERE INFANTILE AXONAL, WITH RESPIRATORY FAILURE; SEVERE INFANTILE AXONAL NEUROPATHY WITH RESPIRATORY FAILURE; SPINAL MUSCULAR ATROPHY, DIAPHRAGMATIC; NEURONOPATHY, DISTAL HEREDITARY MOTOR, HARDING TYPE VI; NEUROPATHY, DISTAL HEREDITARY MOTOR, AUTOSOMAL RECESSIVE 1. Identifiers: Orphanet 98920, MedGen C1858517, MONDO:0011436, OMIM 604320.

Submission:

3billion
Classification: Uncertain significance for Autosomal recessive distal spinal muscular atrophy 1. Last evaluated: 2026-01-19. Review status: criteria provided, single submitter. Criteria: ACMG Guidelines, 2015. Collection method: clinical testing. Allele origin: germline. Affected: yes.
Comment: The variant is observed at an extremely low frequency in the gnomAD v4.1.0 dataset (total allele frequency: <0.001%). Predicted Consequence/Location: Intron variant In silico tools predict the variant to alter splicing and produce an abnormal transcript [SpliceAI: 0.92 (>=0.2, moderate evidence for spliceogenicity)]. Therefore, this variant is classified as VUS according to the recommendation of ACMG/AMP guideline.